The following is an entry in ClinVar:

ClinVar aggregate classification (germline): Pathogenic/Likely pathogenic. Review status: criteria provided, multiple submitters, no conflicts (2 of 4 stars). 3 submissions from 3 submitters: Pathogenic (1); Likely pathogenic (2). Last evaluated 2024-05-01.

Conditions:
DYNC2H1-related disorder. Also called: DYNC2H1-related condition; DYNC2H1-related disorders. Identifiers: MedGen CN378770.
Asphyxiating thoracic dystrophy 3. Also called: Short rib polydactyly syndrome 2B; SHORT-RIB THORACIC DYSPLASIA 3 WITH OR WITHOUT POLYDACTYLY; POLYDACTYLY WITH NEONATAL CHONDRODYSTROPHY, TYPE I; SHORT-RIB THORACIC DYSPLASIA 3/6 WITH POLYDACTYLY, DIGENIC; Saldino-Noonan Syndrome. Identifiers: Orphanet 474, Orphanet 93269, Orphanet 93270, Orphanet 93271, MedGen C0036069, MONDO:0013127, OMIM 613091.

gnomAD v4.1: 16 of 1,612,744 alleles (0.00099%); highest among the groups gnomAD compares: Non-Finnish European, 0.0011%; no homozygotes.

Submissions (3):

Myriad Genetics, Inc.
Classification: Pathogenic for Asphyxiating thoracic dystrophy 3. Last evaluated: 2024-05-01. Review status: criteria provided, single submitter. Criteria: Myriad Autosomal Dominant, Autosomal Recessive and X-Linked Classification Criteria (2023). Collection method: clinical testing. Allele origin: unknown.
Comment: NM_001377.2(DYNC2H1):c.4567C>T(R1523*) is expected to be pathogenic in the context of DYNC2H1-related disorders. This variant is predicted to lead to an abnormal or absent protein product due to the creation of a premature termination codon in DYNC2H1, a gene where loss-of-function variants are known to be pathogenic. Please note: this variant was assessed in the context of healthy population screening.

Fulgent Genetics
Classification: Likely pathogenic for Asphyxiating thoracic dystrophy 3. Last evaluated: 2024-04-18. Review status: criteria provided, single submitter. Criteria: ACMG Guidelines, 2015. Collection method: clinical testing. Allele origin: germline.

Blueprint Genetics
Classification: Likely pathogenic for DYNC2H1-related disorders. Last evaluated: 2023-12-18. Review status: criteria provided, single submitter. Criteria: ACMG Guidelines, 2015. Collection method: clinical testing. Allele origin: germline. Affected: yes. Observed: 2 variant alleles.

NM_001377.3(DYNC2H1):c.4567C>T (p.Arg1523Ter)

Gene: DYNC2H1 (dynein cytoplasmic 2 heavy chain 1; plus strand). Cytogenetic location: 11q22.3.
Variant type: single nucleotide variant.
Coding change: c.4567C>T on transcript NM_001377.3 (MANE Select); coding-DNA position 4567, C replaced by T.
Protein change: p.Arg1523Ter; replaces arginine 1523 with a stop codon.
Molecular consequence: nonsense.
Genome position (GRCh38, 1-based): chr11:103,163,103, C>T. VCF-style: chr11-103163103-C-T. GRCh37 (hg19) VCF-style: chr11-103033832-C-T.
Other names: c.4567C>T, p.Arg1523Ter (NM_001080463.2); short protein forms R1523*.
Identifiers: ClinVar variation 3598877 (VCV003598877.4).
Genomic context (GRCh38, chr11:103,163,103, plus strand): 5'-TTGGCCTTAGAAATGAAGAAAACTTTGGAACAGTTGTTGAAGGAATGTGTTACTACTGGG[C>T]GAAGTTCTCAAGGTGCAGTTGACCCATCTCTGTTCCCTTCACAGGTAAGGGGGCTTACGT-3'